The following is an entry in ClinVar:

ClinVar aggregate classification (germline): Uncertain significance (1 of 4 stars; one submission).

Submission:

Labcorp Genetics (formerly Invitae), Labcorp
Classification: Uncertain significance. Last evaluated: 2025-09-03. Review status: criteria provided, single submitter. Criteria: Invitae Variant Classification Sherloc (09022015). Collection method: clinical testing. Allele origin: germline.
Comment: This sequence change replaces arginine, which is basic and polar, with histidine, which is basic and polar, at codon 136 of the TBX6 protein (p.Arg136His). This variant is present in population databases (rs748910120, gnomAD 0.007%). This variant has not been reported in the literature in individuals affected with TBX6-related conditions. Invitae Evidence Modeling of protein sequence and biophysical properties (such as structural, functional, and spatial information, amino acid conservation, physicochemical variation, residue mobility, and thermodynamic stability) indicates that this missense variant is not expected to disrupt TBX6 protein function with a negative predictive value of 80%. In summary, the available evidence is currently insufficient to determine the role of this variant in disease. Therefore, it has been classified as a Variant of Uncertain Significance.

NM_004608.4(TBX6):c.407G>A (p.Arg136His)

Gene: TBX6 (T-box transcription factor 6; minus strand). Cytogenetic location: 16p11.2.
Variant type: single nucleotide variant.
Coding change: c.407G>A on transcript NM_004608.4 (MANE Select); coding-DNA position 407, G replaced by A.
Protein change: p.Arg136His; replaces arginine 136 with histidine.
Molecular consequence: missense variant.
Genome position (GRCh38, 1-based): chr16:30,089,157, C>T on the plus strand (G>A on the coding strand, the complement: TBX6 is on the minus strand). VCF-style: chr16-30089157-C-T. GRCh37 (hg19) VCF-style: chr16-30100478-C-T.
Other names: short protein forms R136H.
Identifiers: ClinVar variation 4744210 (VCV004744210.1).
Genomic context (GRCh38, chr16:30,089,157, plus strand): 5'-CGGCCCTGCCAGCGGTAGCGAGCCCCATCCACCGGAATCACATCCAGAAGAAACAAGTAG[C>T]GGGCCTCGGGGTCCAGGCCAGTGACTGACACTCGGCAGGCAGGGAACATGCGCCTGTGCA-3'
Protein context (NP_004599.2, residues 126-146): VSVTGLDPEA[Arg136His]YLFLLDVIPV